The following is an entry in ClinVar:

ClinVar aggregate classification (germline): Uncertain significance (1 of 4 stars; one submission).

gnomAD v4.1: 1 of 1,613,598 alleles (0.000062%); highest among the groups gnomAD compares: Admixed American, 0.0017%; no homozygotes.

Submission:

GeneDx
Classification: Uncertain significance. Last evaluated: 2026-04-14. Review status: criteria provided, single submitter. Criteria: GeneDx Variant Classification Process June 2021. Collection method: clinical testing. Allele origin: germline.
Comment: Not observed at significant frequency in large population cohorts (gnomAD); In silico analysis supports that this missense variant has a deleterious effect on protein structure/function; Has not been previously published as pathogenic or benign to our knowledge

NM_000540.3(RYR1):c.11924A>G (p.Asn3975Ser)

Gene: RYR1 (ryanodine receptor 1; plus strand). Cytogenetic location: 19q13.2.
Variant type: single nucleotide variant.
Coding change: c.11924A>G on transcript NM_000540.3 (MANE Select); coding-DNA position 11924, A replaced by G.
Protein change: p.Asn3975Ser; replaces asparagine 3975 with serine.
Molecular consequence: missense variant.
Genome position (GRCh38, 1-based): chr19:38,543,787, A>G. VCF-style: chr19-38543787-A-G. GRCh37 (hg19) VCF-style: chr19-39034427-A-G.
Other names: c.11909A>G, p.Asn3970Ser (NM_001042723.2); short protein forms N3970S, N3975S.
Identifiers: ClinVar variation 5037212 (VCV005037212.1).